The following is an entry in ClinVar:

ClinVar aggregate classification (germline): Uncertain significance (1 of 4 stars; one submission).

Submission:

Labcorp Genetics (formerly Invitae), Labcorp
Classification: Uncertain significance. Last evaluated: 2022-06-20. Review status: criteria provided, single submitter. Criteria: Invitae Variant Classification Sherloc (09022015). Collection method: clinical testing. Allele origin: germline.
Comment: In summary, the available evidence is currently insufficient to determine the role of this variant in disease. Therefore, it has been classified as a Variant of Uncertain Significance. Algorithms developed to predict the effect of sequence changes on RNA splicing suggest that this variant may create or strengthen a splice site. Algorithms developed to predict the effect of missense changes on protein structure and function (SIFT, PolyPhen-2, Align-GVGD) all suggest that this variant is likely to be tolerated. This variant has not been reported in the literature in individuals affected with TFRC-related conditions. This variant is not present in population databases (gnomAD no frequency). This sequence change replaces asparagine, which is neutral and polar, with serine, which is neutral and polar, at codon 722 of the TFRC protein (p.Asn722Ser).

NM_001128148.3(TFRC):c.2165A>G (p.Asn722Ser)

Gene: TFRC (transferrin receptor; minus strand). Cytogenetic location: 3q29.
Variant type: single nucleotide variant.
Coding change: c.2165A>G on transcript NM_001128148.3 (MANE Select); coding-DNA position 2165, A replaced by G.
Protein change: p.Asn722Ser; replaces asparagine 722 with serine.
Molecular consequence: missense variant.
Genome position (GRCh38, 1-based): chr3:196,052,060, T>C on the plus strand (A>G on the coding strand, the complement: TFRC is on the minus strand). VCF-style: chr3-196052060-T-C. GRCh37 (hg19) VCF-style: chr3-195778931-T-C.
Other names: c.1922A>G, p.Asn641Ser (NM_001313965.2); c.1319A>G, p.Asn440Ser (NM_001313966.2); c.2165A>G, p.Asn722Ser (NM_003234.4); short protein forms N641S, N722S, N440S.
Identifiers: ClinVar variation 1348628 (VCV001348628.6), dbSNP rs2108632048, ClinGen allele CA355558145.
Genomic context (GRCh38, chr3:196,052,060, plus strand): 5'-ATAGTCCAAGTAGCTAGAGCCAACTGGTTTCTGAACAGCGTTTCATTAAAAGCACCGTTA[T>C]TTTGTTTACGCAGTTTCAAGTTCTCCAGTAAAGCTGGCAGCGTGTGAGAGCCGGAGCCCC-3'
Protein context (NP_001121620.1, residues 712-732): LLENLKLRKQ[Asn722Ser]NGAFNETLFR